The following is an entry in ClinVar:

NM_000179.3(MSH6):c.628G>A (p.Val210Ile)

Gene: MSH6 (mutS homolog 6; plus strand). Cytogenetic location: 2p16.3.
Variant type: single nucleotide variant.
Coding change: c.628G>A on transcript NM_000179.3 (MANE Select); coding-DNA position 628, G replaced by A.
Protein change: p.Val210Ile; replaces valine 210 with isoleucine.
Molecular consequence: missense variant. On other transcripts: 5 prime UTR variant (1), intron variant (1).
Genome position (GRCh38, 1-based): chr2:47,798,611, G>A. VCF-style: chr2-47798611-G-A. GRCh37 (hg19) VCF-style: chr2-48025750-G-A.
Other names: c.238G>A, p.Val80Ile (NM_001281492.2); c.-279G>A (NM_001281493.2, NM_001406811.1, NM_001406812.1 and 5 more transcripts); c.724G>A, p.Val242Ile (NM_001406795.1, NM_001406802.1); c.628G>A, p.Val210Ile (NM_001406796.1, NM_001406798.1, NM_001406800.1 and 4 more transcripts); c.331G>A, p.Val111Ile (NM_001406797.1, NM_001406801.1, NM_001406805.1 and 10 more transcripts); c.103G>A, p.Val35Ile (NM_001406799.1, NM_001406806.1, NM_001406807.1); c.550G>A, p.Val184Ile (NM_001406804.1); c.634G>A, p.Val212Ile (NM_001406813.1); and 2 more; short protein forms V154I, V242I, V35I, V80I, V184I, V210I, V111I, V212I.
Identifiers: ClinVar variation 1989264 (VCV001989264.7), dbSNP rs936063254, ClinGen allele CA46706479.

ClinVar aggregate classification (germline): Uncertain significance. Review status: criteria provided, multiple submitters, no conflicts (2 of 4 stars). 4 submissions from 4 submitters: Uncertain significance (4). Last evaluated 2024-05-11.

Conditions:
Hereditary nonpolyposis colorectal neoplasms. Identifiers: MedGen C0009405, MeSH D003123.
Hereditary cancer-predisposing syndrome. Also called: Tumor predisposition; Hereditary Cancer Syndrome; Hereditary neoplastic syndrome; Neoplastic Syndromes, Hereditary. Identifiers: Orphanet 140162, MedGen C0027672, MeSH D009386, MONDO:0015356.
Lynch syndrome. Identifiers: Orphanet 144, MedGen C4552100, MONDO:0005835. Disease mechanism: loss of function.
Endometrial carcinoma. Also called: Endometrial carcinoma, somatic. Identifiers: MedGen C0476089, MONDO:0002447, OMIM 608089, HP:0012114.

Submissions (4):

Labcorp Genetics (formerly Invitae), Labcorp
Classification: Uncertain significance for Hereditary nonpolyposis colorectal neoplasms. Last evaluated: 2024-05-11. Review status: criteria provided, single submitter. Criteria: Invitae Variant Classification Sherloc (09022015). Collection method: clinical testing. Allele origin: germline.
Comment: This sequence change replaces valine, which is neutral and non-polar, with isoleucine, which is neutral and non-polar, at codon 210 of the MSH6 protein (p.Val210Ile). This variant is not present in population databases (gnomAD no frequency). This variant has not been reported in the literature in individuals affected with MSH6-related conditions. ClinVar contains an entry for this variant (Variation ID: 1989264). An algorithm developed to predict the effect of missense changes on protein structure and function (PolyPhen-2) suggests that this variant is likely to be tolerated. In summary, the available evidence is currently insufficient to determine the role of this variant in disease. Therefore, it has been classified as a Variant of Uncertain Significance.

Ambry Genetics
Classification: Uncertain significance for Hereditary cancer-predisposing syndrome. Last evaluated: 2024-05-10. Review status: criteria provided, single submitter. Criteria: Ambry Variant Classification Scheme 2023. Collection method: clinical testing. Allele origin: germline.
Comment: The p.V210I variant (also known as c.628G>A) is located in coding exon 4 of the MSH6 gene. The valine at codon 210 is replaced by isoleucine, an amino acid with highly similar properties. This change occurs in the first base pair of coding exon 4. This amino acid position is conserved. In addition, this alteration is predicted to be tolerated by in silico analysis. Based on the available evidence, the clinical significance of this variant remains unclear.

Baylor Genetics
Classification: Uncertain significance for Endometrial carcinoma. Last evaluated: 2023-10-02. Review status: criteria provided, single submitter. Criteria: ACMG Guidelines, 2015. Collection method: clinical testing. Allele origin: unknown.

Department of Pathology and Laboratory Medicine, Sinai Health System
Classification: Uncertain significance for Lynch syndrome. Last evaluated: 2022-09-26. Review status: criteria provided, single submitter. Criteria: ACMG Guidelines, 2015. Collection method: clinical testing. Allele origin: germline. Affected: yes.